The following is an entry in ClinVar:

NM_012281.3(KCND2):c.1577C>G (p.Thr526Ser)

Gene: KCND2 (potassium voltage-gated channel subfamily D member 2; plus strand). Cytogenetic location: 7q31.31.
Variant type: single nucleotide variant.
Coding change: c.1577C>G on transcript NM_012281.3 (MANE Select); coding-DNA position 1577, C replaced by G.
Protein change: p.Thr526Ser; replaces threonine 526 with serine.
Molecular consequence: missense variant.
Genome position (GRCh38, 1-based): chr7:120,745,889, C>G. VCF-style: chr7-120745889-C-G. GRCh37 (hg19) VCF-style: chr7-120385943-C-G.
Other names: short protein forms T526S.
Identifiers: ClinVar variation 2851018 (VCV002851018.3), dbSNP rs1380663089, ClinGen allele CA369135540.

ClinVar aggregate classification (germline): Uncertain significance (1 of 4 stars; one submission).

Conditions:
Early Myoclonic Encephalopathy. Identifiers: MedGen C0270855.

Submission:

Labcorp Genetics (formerly Invitae), Labcorp
Classification: Uncertain significance for Early Myoclonic Encephalopathy. Last evaluated: 2023-11-13. Review status: criteria provided, single submitter. Criteria: Invitae Variant Classification Sherloc (09022015). Collection method: clinical testing. Allele origin: germline.
Comment: This sequence change replaces threonine, which is neutral and polar, with serine, which is neutral and polar, at codon 526 of the KCND2 protein (p.Thr526Ser). This variant is not present in population databases (gnomAD no frequency). This variant has not been reported in the literature in individuals affected with KCND2-related conditions. Advanced modeling of protein sequence and biophysical properties (such as structural, functional, and spatial information, amino acid conservation, physicochemical variation, residue mobility, and thermodynamic stability) performed at Invitae indicates that this missense variant is not expected to disrupt KCND2 protein function with a negative predictive value of 80%. In summary, the available evidence is currently insufficient to determine the role of this variant in disease. Therefore, it has been classified as a Variant of Uncertain Significance.